The following is an entry in ClinVar:

NM_004415.4(DSP):c.2950A>G (p.Met984Val)

Gene: DSP (desmoplakin; plus strand). Cytogenetic location: 6p24.3.
Variant type: single nucleotide variant.
Coding change: c.2950A>G on transcript NM_004415.4 (MANE Select); coding-DNA position 2950, A replaced by G.
Protein change: p.Met984Val; replaces methionine 984 with valine.
Molecular consequence: missense variant.
Genome position (GRCh38, 1-based): chr6:7,577,851, A>G. VCF-style: chr6-7577851-A-G. GRCh37 (hg19) VCF-style: chr6-7578084-A-G.
Other names: c.2950A>G (LRG_423t1); c.2950A>G, p.Met984Val (NM_001008844.3, NM_001319034.2); short protein forms M984V.
Identifiers: ClinVar variation 424499 (VCV000424499.17), dbSNP rs868110541, ClinGen allele CA16618322.

ClinVar aggregate classification (germline): Uncertain significance. Review status: criteria provided, multiple submitters, no conflicts (2 of 4 stars). 4 submissions from 4 submitters: Uncertain significance (4). Last evaluated 2024-09-09.

Conditions:
Cardiovascular phenotype. Identifiers: MedGen CN230736.
Arrhythmogenic cardiomyopathy with wooly hair and keratoderma. Also called: Carvajal syndrome; Dilated cardiomyopathy with woolly hair and keratoderma; Arrhythmogenic cardiomyopathy with woolly hair and keratoderma; PALMOPLANTAR KERATODERMA WITH LEFT VENTRICULAR CARDIOMYOPATHY AND WOOLLY HAIR. Identifiers: Orphanet 65282, MedGen C1854063, MONDO:0011581, OMIM 605676.
Arrhythmogenic right ventricular dysplasia 8 (ARVD8). Also called: ARRHYTHMOGENIC RIGHT VENTRICULAR DYSPLASIA, FAMILIAL, 8; ARRHYTHMOGENIC RIGHT VENTRICULAR CARDIOMYOPATHY 8; Arrhythmogenic Right Ventricular Dysplasia/Cardiomyopathy 8. Identifiers: MedGen C1843896, MONDO:0011831, OMIM 607450.
Cardiomyopathy (CMYO). Also called: Cardiomyopathies. Identifiers: Orphanet 167848, MedGen C0878544, MONDO:0004994, HP:0001638. Inheritance: Various modes of inheritance.

Allele frequency attached by ClinVar (database versions not stated): gnomAD exomes below 0.00001; TOPMed 0.00001.
gnomAD v4.1: 1 of 1,614,198 alleles (0.000062%); highest among the groups gnomAD compares: African/African-American, 0.0013%; no homozygotes.

Submissions (4):

Color Diagnostics, LLC DBA Color Health
Classification: Uncertain significance for Cardiomyopathy. Last evaluated: 2024-09-09. Review status: criteria provided, single submitter. Criteria: ACMG Guidelines, 2015. Collection method: clinical testing. Allele origin: germline.
Comment: This missense variant replaces methionine with valine at codon 984 of the DSP protein. Computational prediction suggests that this variant may not impact protein structure and function. To our knowledge, functional studies have not been reported for this variant. This variant has not been reported in individuals affected with DSP-related disorders in the literature. This variant has not been identified in the general population by the Genome Aggregation Database (gnomAD). The available evidence is insufficient to determine the role of this variant in disease conclusively. Therefore, this variant is classified as a Variant of Uncertain Significance.

Labcorp Genetics (formerly Invitae), Labcorp
Classification: Uncertain significance for Arrhythmogenic cardiomyopathy with wooly hair and keratoderma; Arrhythmogenic right ventricular dysplasia 8. Last evaluated: 2024-07-25. Review status: criteria provided, single submitter. Criteria: Invitae Variant Classification Sherloc (09022015). Collection method: clinical testing. Allele origin: germline.
Comment: This sequence change replaces methionine, which is neutral and non-polar, with valine, which is neutral and non-polar, at codon 984 of the DSP protein (p.Met984Val). This variant is not present in population databases (gnomAD no frequency). This variant has not been reported in the literature in individuals affected with DSP-related conditions. ClinVar contains an entry for this variant (Variation ID: 424499). An algorithm developed to predict the effect of missense changes on protein structure and function outputs the following: PolyPhen-2: "Benign". The valine amino acid residue is found in multiple mammalian species, which suggests that this missense change does not adversely affect protein function. In summary, the available evidence is currently insufficient to determine the role of this variant in disease. Therefore, it has been classified as a Variant of Uncertain Significance.

Ambry Genetics
Classification: Uncertain significance for Cardiovascular phenotype. Last evaluated: 2020-04-24. Review status: criteria provided, single submitter. Criteria: Ambry Variant Classification Scheme 2023. Collection method: clinical testing. Allele origin: germline.
Comment: The p.M984V variant (also known as c.2950A>G), located in coding exon 21 of the DSP gene, results from an A to G substitution at nucleotide position 2950. The methionine at codon 984 is replaced by valine, an amino acid with highly similar properties. This amino acid position is well conserved in available vertebrate species. In addition, this alteration is predicted to be tolerated by in silico analysis. Since supporting evidence is limited at this time, the clinical significance of this alteration remains unclear.

GeneDx
Classification: Uncertain significance. Last evaluated: 2017-03-24. Review status: criteria provided, single submitter. Criteria: GeneDx Variant Classification (06012015). Collection method: clinical testing. Allele origin: germline. Affected: yes.
Comment: A variant of uncertain significance has been identified in the DSP gene. The M984V variant has not been published as pathogenic or been reported as benign to our knowledge. This variant is not observed in large population cohorts (Lek et al., 2016; 1000 Genomes Consortium et al., 2015; Exome Variant Server). However, the M984V variant is a conservative amino acid substitution, which is not likely to impact secondary protein structure as these residues share similar properties. This substitution occurs at a position where amino acids with similar properties to methionine are tolerated across species, and valine is the wild-type amino acid at this position in many species. Furthermore, in silico analysis is inconsistent in its predictions as to whether or not the variant is damaging to the protein structure/function.